The following is an entry in ClinVar:

NM_001377.3(DYNC2H1):c.6894-4G>A

Gene: DYNC2H1 (dynein cytoplasmic 2 heavy chain 1; plus strand). Cytogenetic location: 11q22.3.
Variant type: single nucleotide variant.
Coding change: c.6894-4G>A on transcript NM_001377.3 (MANE Select); 4 bases into the intron before coding-DNA position 6894, G replaced by A.
Molecular consequence: intron variant.
Genome position (GRCh38, 1-based): chr11:103,187,336, G>A. VCF-style: chr11-103187336-G-A. GRCh37 (hg19) VCF-style: chr11-103058065-G-A.
Other names: p.?; c.6894-4G>A (NM_001080463.2).
Identifiers: ClinVar variation 511072 (VCV000511072.16), dbSNP rs17100043, ClinGen allele CA6254102.
Genomic context (GRCh38, chr11:103,187,336, plus strand): 5'-GAGTATAAAATGTATTTTGTTGGTTGCATTTTTATCAAAGTCAGATGTCATGCATTTTTC[G>A]TAGGATGCTGCTCAGGTACGCATTTTCACAACTCCGGTCCACTCAAATTGCTACAGTTCA-3'

ClinVar aggregate classification (germline): Benign/Likely benign. Review status: criteria provided, multiple submitters, no conflicts (2 of 4 stars). 5 submissions from 5 submitters: Benign (2); Likely benign (3). Last evaluated 2026-01-24.

Conditions:
Jeune thoracic dystrophy. Also called: Short-rib thoracic dysplasia; Jeune syndrome; Infantile thoracic dystrophy; Thoracic pelvic phalangeal dystrophy; Jeune's syndrome; Chondroectodermal dysplasia-like syndrome. Identifiers: Orphanet 474, MedGen C0265275, MONDO:0018770.

Allele frequency attached by ClinVar (database versions not stated): gnomAD 0.00154 and 0.00168; TOPMed 0.00168; ESP Exome Variant Server 0.00171; 1000 Genomes Project 0.00200; 1000 Genomes Project 30x 0.00250.
gnomAD v4.1: 553 of 1,611,126 alleles (0.034%); highest among the groups gnomAD compares: African/African-American, 0.49%; no homozygotes.

Submissions (5):

Labcorp Genetics (formerly Invitae), Labcorp
Classification: Benign for Jeune thoracic dystrophy. Last evaluated: 2026-01-24. Review status: criteria provided, single submitter. Criteria: Invitae Variant Classification Sherloc (09022015). Collection method: clinical testing. Allele origin: germline.

Mayo Clinic Laboratories, Mayo Clinic
Classification: Likely benign. Last evaluated: 2025-02-21. Review status: criteria provided, single submitter. Criteria: ACMG Guidelines, 2015. Collection method: clinical testing. Allele origin: germline. Observed: 2 variant alleles.
Comment: BP4, BP7

Blueprint Genetics
Classification: Likely benign. Last evaluated: 2024-05-31. Review status: criteria provided, single submitter. Criteria: ACMG Guidelines, 2015. Collection method: clinical testing. Allele origin: germline.

Women's Health and Genetics/Laboratory Corporation of America, LabCorp
Classification: Benign. Last evaluated: 2023-05-10. Review status: criteria provided, single submitter. Criteria: LabCorp Variant Classification Summary - May 2015. Collection method: clinical testing. Allele origin: germline.
Comment: Variant summary: DYNC2H1 c.6894-4G>A alters a non-conserved nucleotide located close to a canonical splice site and therefore could affect mRNA splicing, leading to a significantly altered protein sequence. 4/4 computational tools predict no significant impact on normal splicing. However, these predictions have yet to be confirmed by functional studies. The variant allele was found at a frequency of 0.00037 in 247204 control chromosomes, predominantly at a frequency of 0.0049 within the African or African-American subpopulation in the gnomAD database. The observed variant frequency within African or African-American control individuals in the gnomAD database is approximately 2 fold of the estimated maximal expected allele frequency for a pathogenic variant in DYNC2H1 causing Short-rib thoracic dysplasia phenotype (0.0025), strongly suggesting that the variant is a benign polymorphism found primarily in populations of African or African-American origin. To our knowledge, no occurrence of c.6894-4G>A in individuals affected with Short-rib thoracic dysplasia and no experimental evidence demonstrating its impact on protein function have been reported. Two clinical diagnostic laboratories have submitted clinical-significance assessments for this variant to ClinVar after 2014 and classified the variant as benign/likely benign. Based on the evidence outlined above, the variant was classified as benign.

GeneDx
Classification: Likely benign. Last evaluated: 2020-09-11. Review status: criteria provided, single submitter. Criteria: GeneDx Variant Classification Process June 2021. Collection method: clinical testing. Allele origin: germline. Affected: yes.